The following is an entry in ClinVar:

NM_000348.4(SRD5A2):c.492_493insGA (p.Tyr165fs)

Gene: SRD5A2 (steroid 5 alpha-reductase 2; minus strand). Cytogenetic location: 2p23.1.
Variant type: Insertion.
Coding change: c.492_493insGA on transcript NM_000348.4 (MANE Select); coding-DNA positions 492 to 493, GA inserted.
Protein change: p.Tyr165fs; shifts the reading frame from tyrosine 165.
Molecular consequence: frameshift variant.
Genome position: GRCh38 VCF-style: chr2-31531425-A-ATC. GRCh37 (hg19) VCF-style: chr2-31756495-A-ATC.
Other names: short protein forms Y165fs.
Identifiers: ClinVar variation 2887434 (VCV002887434.3), dbSNP rs1399412484, ClinGen allele CA531712583.
Genomic context (GRCh38, chr2:31,531,425, plus strand): 5'-CATTACCTTGTGGAATCCTGTAGCTGATTTCTCCAGGCTTCCTGAGCTGGCGCAATATAT[A>ATC]GTCACTATGAATGTTTATTCCCATTCCCAAAATAAATAAGAAGACACCTTGACAAAGAAG-3'

ClinVar aggregate classification (germline): Pathogenic (1 of 4 stars; one submission).

Conditions:
3-Oxo-5 alpha-steroid delta 4-dehydrogenase deficiency (PPSH). Also called: FAMILIAL INCOMPLETE MALE PSEUDOHERMAPHRODITISM, TYPE 2; MALE PSEUDOHERMAPHRODITISM DUE TO 5-ALPHA-REDUCTASE DEFICIENCY; 46,XY disorder of sex development due to 5-alpha-reductase 2 deficiency; PSEUDOVAGINAL PERINEOSCROTAL HYPOSPADIAS. Identifiers: Orphanet 753, MedGen C0268297, MONDO:0009923, OMIM 264600. Disease mechanism: loss of function.

Allele frequency attached by ClinVar (database versions not stated): gnomAD 0.00001; TOPMed 0.00001; gnomAD exomes 0.00002.

Submission:

Labcorp Genetics (formerly Invitae), Labcorp
Classification: Pathogenic for 3-Oxo-5 alpha-steroid delta 4-dehydrogenase deficiency. Last evaluated: 2023-07-07. Review status: criteria provided, single submitter. Criteria: Invitae Variant Classification Sherloc (09022015). Collection method: clinical testing. Allele origin: germline.
Comment: This sequence change results in a frameshift in the SRD5A2 gene (p.Tyr165Aspfs*115). While this is not anticipated to result in nonsense mediated decay, it is expected to disrupt the last 90 amino acid(s) of the SRD5A2 protein and extend the protein by 24 additional amino acid residues. This variant is present in population databases (no rsID available, gnomAD 0.001%). This variant has not been reported in the literature in individuals affected with SRD5A2-related conditions. This variant disrupts a region of the SRD5A2 protein in which other variant(s) (p.Arg246Gln) have been determined to be pathogenic (PMID: 1522235, 2665940, 10718838, 14594182, 18097518, 18717241, 19492581, 20190539, 20493473, 20583543, 23329752, 25899528, 26446026, 26980298). This suggests that this is a clinically significant region of the protein, and that variants that disrupt it are likely to be disease-causing. For these reasons, this variant has been classified as Pathogenic.

Literature cited by the submitters: PubMed 1522235; PubMed 2665940; PubMed 10718838; PubMed 14594182; PubMed 18097518; PubMed 18717241; PubMed 19492581; PubMed 20190539; PubMed 20493473; PubMed 20583543; PubMed 23329752; PubMed 25899528; PubMed 26446026; PubMed 26980298.